The following is an entry in ClinVar:

ClinVar aggregate classification (germline): Uncertain significance (1 of 4 stars; one submission).

Allele frequency attached by ClinVar (database versions not stated): TOPMed 0.00001; gnomAD exomes 0.00002; ExAC 0.00003.
gnomAD v4.1: 24 of 1,599,564 alleles (0.0015%); highest among the groups gnomAD compares: Non-Finnish European, 0.002%; no homozygotes.

Submission:

Labcorp Genetics (formerly Invitae), Labcorp
Classification: Uncertain significance. Last evaluated: 2022-07-22. Review status: criteria provided, single submitter. Criteria: Invitae Variant Classification Sherloc (09022015). Collection method: clinical testing. Allele origin: germline.
Comment: In summary, the available evidence is currently insufficient to determine the role of this variant in disease. Therefore, it has been classified as a Variant of Uncertain Significance. This sequence change falls in intron 6 of the COL18A1 gene. It does not directly change the encoded amino acid sequence of the COL18A1 protein. It affects a nucleotide within the consensus splice site. This variant is present in population databases (rs751212276, gnomAD 0.005%). This variant has not been reported in the literature in individuals affected with COL18A1-related conditions. Variants that disrupt the consensus splice site are a relatively common cause of aberrant splicing (PMID: 17576681, 9536098). Experimental studies and prediction algorithms are not available or were not evaluated, and the effect of this variant on mRNA splicing is currently unknown.

Literature cited by the submitters: PubMed 17576681; PubMed 9536098.

NM_001379500.1(COL18A1):c.928+3A>G

Gene: COL18A1 (collagen type XVIII alpha 1 chain; plus strand). Cytogenetic location: 21q22.3.
Variant type: single nucleotide variant.
Coding change: c.928+3A>G on transcript NM_001379500.1 (MANE Select); 3 bases into the intron after coding-DNA position 928, A replaced by G.
Molecular consequence: intron variant.
Genome position (GRCh38, 1-based): chr21:45,476,483, A>G. VCF-style: chr21-45476483-A-G. GRCh37 (hg19) VCF-style: chr21-46896397-A-G.
Other names: c.2173+3A>G (NM_130444.3); c.1468+3A>G (NM_030582.4).
Identifiers: ClinVar variation 1957779 (VCV001957779.5), dbSNP rs751212276, ClinGen allele CA10065990.
Genomic context (GRCh38, chr21:45,476,483, plus strand): 5'-ACGGAAGATTCCAGAAGTGAAGAAGTCGAGGAGCAGACCACGGTGGCTTCGTTAGGAGGT[A>G]AGCTCTTTTCTGGATGTGGTGTGTGTGTGGTGTGGGGTGTGTGTGGTGTGTAACGTGTGT-3'